The following is an entry in ClinVar:

NM_000168.6(GLI3):c.2110C>T (p.Gln704Ter)

Gene: GLI3 (GLI family zinc finger 3; minus strand). Cytogenetic location: 7p14.1.
Variant type: single nucleotide variant.
Coding change: c.2110C>T on transcript NM_000168.6 (MANE Select); coding-DNA position 2110, C replaced by T.
Protein change: p.Gln704Ter; replaces glutamine 704 with a stop codon.
Molecular consequence: nonsense.
Genome position (GRCh38, 1-based): chr7:41,967,917, G>A on the plus strand (C>T on the coding strand, the complement: GLI3 is on the minus strand). VCF-style: chr7-41967917-G-A. GRCh37 (hg19) VCF-style: chr7-42007515-G-A.
Other names: short protein forms Q704*.
Identifiers: ClinVar variation 3731497 (VCV003731497.1).

ClinVar aggregate classification (germline): Likely pathogenic (1 of 4 stars; one submission).

Conditions:
Pallister-Hall syndrome (PHS). Also called: HYPOTHALAMIC HAMARTOBLASTOMA, HYPOPITUITARISM, IMPERFORATE ANUS, AND POSTAXIAL POLYDACTYLY; GLI3-Related Pallister-Hall Syndrome. Identifiers: Orphanet 672, MedGen C0265220, MONDO:0007804, OMIM 146510.

Submission:

Neuberg Centre For Genomic Medicine, NCGM
Classification: Likely pathogenic for Pallister-Hall syndrome. Review status: criteria provided, single submitter. Criteria: ACMG Guidelines, 2015. Collection method: clinical testing. Allele origin: germline. Inheritance: Autosomal dominant inheritance. Affected: yes.
Comment: The observed stop gained variant c.2110C>T(p.Gln704Ter) in the GLI3 gene has been reported previously in an individual affected with coronal hypospadias, micropenis, bilateral cryptorchidism, and digital deformity (Zhang W, et al., 2019). This variant is absent in the gnomAD Exomes. This variant is predicted to cause loss of normal protein function either through protein truncation or nonsense-mediated mRNA decay. Loss of function variants have been previously reported to be disease causing (Siafa L, et al., 2022). Computational evidence (MutationTaster - Disease causing) predicts damaging effect on protein structure and function for this variant. However study on multiple affected individuals and functional studies on the pathogenicity of the variant is unavailable. For these reasons, this variant has been classified as Likely Pathogenic.